The following is an entry in ClinVar:

ClinVar aggregate classification (germline): Benign (1 of 4 stars; one submission).

Allele frequency attached by ClinVar (database versions not stated): 1000 Genomes Project 30x 0.46549; 1000 Genomes Project 0.47444; TOPMed 0.51731.
gnomAD v4.1: 81,608 of 152,002 alleles (54%); highest among the groups gnomAD compares: Middle Eastern, 76%; 25,801 homozygotes.

Submission:

GeneDx
Classification: Benign. Last evaluated: 2018-06-14. Review status: criteria provided, single submitter. Criteria: GeneDx Variant Classification (06012015). Collection method: clinical testing. Allele origin: germline. Affected: yes.
Comment: This variant is considered likely benign or benign based on one or more of the following criteria: it is a conservative change, it occurs at a poorly conserved position in the protein, it is predicted to be benign by multiple in silico algorithms, and/or has population frequency not consistent with disease.

NM_001042492.3(NF1):c.1393-408T>C

Gene: NF1 (neurofibromin 1; plus strand). Cytogenetic location: 17q11.2.
Variant type: single nucleotide variant.
Coding change: c.1393-408T>C on transcript NM_001042492.3 (MANE Select); 408 bases into the intron before coding-DNA position 1393, T replaced by C.
Molecular consequence: intron variant.
Genome position (GRCh38, 1-based): chr17:31,214,043, T>C. VCF-style: chr17-31214043-T-C. GRCh37 (hg19) VCF-style: chr17-29541061-T-C.
Other names: c.1393-408T>C (NM_000267.4, NM_001128147.3).
Identifiers: ClinVar variation 561759 (VCV000561759.1), dbSNP rs2952995, ClinGen allele CA289356541.